The following is an entry in ClinVar:

ClinVar aggregate classification (germline): Uncertain significance (1 of 4 stars; one submission).

Conditions:
Inborn genetic diseases. Identifiers: MedGen C0950123, MeSH D030342.

Submission:

Ambry Genetics
Classification: Uncertain significance for Inborn genetic diseases. Last evaluated: 2026-01-23. Review status: criteria provided, single submitter. Criteria: Ambry Variant Classification Scheme 2023. Collection method: clinical testing. Allele origin: germline.
Comment: The p.S561R variant (also known as c.1681A>C), located in coding exon 12 of the BMPR2 gene, results from an A to C substitution at nucleotide position 1681. The serine at codon 561 is replaced by arginine, an amino acid with dissimilar properties. This amino acid position is conserved. In addition, the in silico prediction for this alteration is inconclusive. Based on the available evidence, the clinical significance of this variant remains unclear.

NM_001204.7(BMPR2):c.1681A>C (p.Ser561Arg)

Gene: BMPR2 (bone morphogenetic protein receptor type 2; plus strand). Cytogenetic location: 2q33.2.
Variant type: single nucleotide variant.
Coding change: c.1681A>C on transcript NM_001204.7 (MANE Select); coding-DNA position 1681, A replaced by C.
Protein change: p.Ser561Arg; replaces serine 561 with arginine.
Molecular consequence: missense variant.
Genome position (GRCh38, 1-based): chr2:202,555,346, A>C. VCF-style: chr2-202555346-A-C. GRCh37 (hg19) VCF-style: chr2-203420069-A-C.
Other names: short protein forms S561R.
Identifiers: ClinVar variation 4824912 (VCV004824912.1).